The following is an entry in ClinVar:

ClinVar aggregate classification (germline): Uncertain significance. Review status: reviewed by expert panel (3 of 4 stars). 3 submissions from 3 submitters: Uncertain significance (1). 2 of the submissions do not count toward it. Last evaluated 2024-11-05.

Conditions:
Glycogen storage disease, type II (IOPD). Also called: POMPE DISEASE, INFANTILE-ONSET; GLYCOGEN STORAGE DISEASE II, INFANTILE-ONSET; ACID ALPHA-GLUCOSIDASE DEFICIENCY, INFANTILE-ONSET; GAA DEFICIENCY, INFANTILE-ONSET; ACID MALTASE DEFICIENCY, INFANTILE-ONSET; CARDIOMEGALIA GLYCOGENICA DIFFUSA. Identifiers: Orphanet 365, MedGen C0017921, MONDO:0009290, OMIM 232300.

Allele frequency attached by ClinVar (database versions not stated): gnomAD exomes below 0.00001.
gnomAD v4.1: 1 of 1,613,098 alleles (0.000062%); highest among the groups gnomAD compares: Non-Finnish European, 0.000085%; no homozygotes.

Submissions (3):

ClinGen Lysosomal Storage Disorder Variant Curation Expert Panel
Classification: Uncertain significance for Glycogen storage disease, type II. Last evaluated: 2024-11-05. Review status: reviewed by expert panel. Criteria: clingen_lsd_acmg_specifications_v2-1. Collection method: curation. Allele origin: germline. Inheritance: Autosomal recessive inheritance.
Comment: The NM_000152.5:c.797C>T variant in GAA is a missense variant predicted to cause substitution of proline by leucine at amino acid 266 (p.Pro266Leu). At least one patient has been published with this variant in a case of atypical IOPD (PMID: 33657692); however, GAA activity is not known and pseudodeficiency variant status is unknown. Therefore, PP4 is not met. The highest population minor allele frequency in gnomAD v4.10. is 8.475e-7 (1/1179896 alleles) in the European (non-Finnish) population, which is lower than the ClinGen Lysosomal Diseases VCEP’s threshold for PM2_Supporting (<0.001), meeting this criterion (PM2_Supporting). The computational predictor REVEL gives a score of 0.399, which is below the threshold of 0.5, evidence that does not predict a damaging effect on GAA function (BP4). Another missense variant (c.796C>T, p.Pro266Ser) (ClinVar ID: 556117) in the same codon has been classified as likely pathogenic for Pompe disease by the ClinGen Lysosomal Diseases VCEP (PM5_Supporting). It has been reported in both LOPD and IOPD (PMIDs: (PMIDs: 25526786, 29124014, 17092519, 29451150 and 31193175, 28394184). Splicing prediction using SpliceAI revealed no expected effects on splicing due to either variant. There is a ClinVar entry for this variant (Variation ID: 575986). Due to conflicting evidence, this variant is classified as a variant of unknown significance for Pompe disease based on the ACMG/AMP criteria applied, as specified by the ClinGen Lysosomal Diseases Variant Curation Expert Panel (Specifications Version 2.0): BP4, PM2_supporting, PM5_supporting. (Classification approved by the ClinGen Lysosomal Diseases Variant Curation Expert Panel on November 5, 2024)

Genomenon, Inc
Classification: Uncertain significance for Glycogen storage disease, type II. Last evaluated: 2026-07-01. Review status: criteria provided, single submitter. Criteria: Genomenon Sequence Variant Interpretation Standards - Updated. Collection method: curation. Allele origin: germline. Affected: yes. Not counted in ClinVar's aggregate classification.
Comment: GAA p.Pro266Leu (c.797C>T) is a missense variant that changes the amino acid at codon 266 from Proline to Leucine. This variant has been observed in at least one proband with a GAA-related disorder in the compound heterozygous and/or homozygous state (PMID:32711049). The presence of pathogenic/likely pathogenic missense variant(s) at the same amino acid position indicates that this residue is likely important for protein function. It is absent or not present at a significant frequency in gnomAD. In silico models predict that this variant is not damaging. In conclusion, we classify GAA p.Pro266Leu (c.797C>T) as a variant of uncertain significance.

Labcorp Genetics (formerly Invitae), Labcorp
Classification: Likely pathogenic for Glycogen storage disease, type II. Last evaluated: 2022-03-09. Review status: criteria provided, single submitter. Criteria: Invitae Variant Classification Sherloc (09022015). Collection method: clinical testing. Allele origin: germline. Not counted in ClinVar's aggregate classification.
Comment: This variant disrupts the p.Pro266 amino acid residue in GAA. Other variant(s) that disrupt this residue have been determined to be pathogenic (PMID: 17092519, 19862843, 25526786, 28394184, 29124014). This suggests that this residue is clinically significant, and that variants that disrupt this residue are likely to be disease-causing. In summary, the currently available evidence indicates that the variant is pathogenic, but additional data are needed to prove that conclusively. Therefore, this variant has been classified as Likely Pathogenic. Advanced modeling of protein sequence and biophysical properties (such as structural, functional, and spatial information, amino acid conservation, physicochemical variation, residue mobility, and thermodynamic stability) performed at Invitae indicates that this missense variant is not expected to disrupt GAA protein function. ClinVar contains an entry for this variant (Variation ID: 575986). This missense change has been observed in individual(s) with Pompe disease (PMID: 32711049). This variant is not present in population databases (gnomAD no frequency). This sequence change replaces proline, which is neutral and non-polar, with leucine, which is neutral and non-polar, at codon 266 of the GAA protein (p.Pro266Leu).

Literature cited by the submitters: PubMed 32711049 (cited by Genomenon, Inc and Labcorp Genetics (formerly Invitae), Labcorp); PubMed 17092519 (cited by Labcorp Genetics (formerly Invitae), Labcorp); PubMed 19862843 (cited by Labcorp Genetics (formerly Invitae), Labcorp); PubMed 25526786 (cited by Labcorp Genetics (formerly Invitae), Labcorp); PubMed 28394184 (cited by Labcorp Genetics (formerly Invitae), Labcorp); PubMed 29124014 (cited by Labcorp Genetics (formerly Invitae), Labcorp).

NM_000152.5(GAA):c.797C>T (p.Pro266Leu)

Gene: GAA (alpha glucosidase; plus strand). Cytogenetic location: 17q25.3.
Variant type: single nucleotide variant.
Coding change: c.797C>T on transcript NM_000152.5 (MANE Select); coding-DNA position 797, C replaced by T.
Protein change: p.Pro266Leu; replaces proline 266 with leucine.
Molecular consequence: missense variant.
Genome position (GRCh38, 1-based): chr17:80,107,661, C>T. VCF-style: chr17-80107661-C-T. GRCh37 (hg19) VCF-style: chr17-78081460-C-T.
Other names: NM_000152.5(GAA):c.797C>T; p.Pro266Leu; c.797C>T (LRG_673t1); c.797C>T, p.Pro266Leu (NM_001079803.3, NM_001079804.3); short protein forms P266L.
Identifiers: ClinVar variation 575986 (VCV000575986.11), dbSNP rs1567828977, ClinGen allele CA401363498.
Genomic context (GRCh38, chr17:80,107,661, plus strand): 5'-TTCAGCTGTCCACCTCGCTGCCCTCGCAGTATATCACAGGCCTCGCCGAGCACCTCAGTC[C>T]CCTGATGCTCAGCACCAGCTGGACCAGGATCACCCTGTGGAACCGGGACCTTGCGCCCAC-3'
Protein context (NP_000143.2, residues 256-276): YITGLAEHLS[Pro266Leu]LMLSTSWTRI